The following is an entry in ClinVar:

ClinVar aggregate classification (germline): Uncertain significance. Review status: criteria provided, multiple submitters, no conflicts (2 of 4 stars). 3 submissions from 3 submitters: Uncertain significance (3). Last evaluated 2026-04-21.

Conditions:
PKD1-related disorder. Also called: PKD1-related condition.
Inborn genetic diseases. Identifiers: MedGen C0950123, MeSH D030342.

gnomAD v4.1: 6 of 1,610,238 alleles (0.00037%); highest among the groups gnomAD compares: East Asian, 0.013%; no homozygotes.

Submissions (3):

Women's Health and Genetics/Laboratory Corporation of America, LabCorp
Classification: Uncertain significance. Last evaluated: 2026-04-21. Review status: criteria provided, single submitter. Criteria: LabCorp Variant Classification Summary - May 2015. Collection method: clinical testing. Allele origin: germline.
Comment: Variant summary: PKD1 c.7598C>A (p.Ser2533Tyr) results in a non-conservative amino acid change in the encoded protein sequence. Algorithms developed to predict the effect of missense changes on protein structure and function are either unavailable or do not agree on the potential impact of this missense change. The variant allele was found at a frequency of 2.9e-05 in 244120 control chromosomes. The available data on variant occurrences in the general population are insufficient to allow any conclusion about variant significance. To our knowledge, no occurrence of c.7598C>A in individuals affected with PKD1-related conditions and no experimental evidence demonstrating its impact on protein function have been reported. ClinVar contains an entry for this variant (Variation ID: 3306832). Based on the evidence outlined above, the variant was classified as uncertain significance.

PreventionGenetics, part of Exact Sciences
Classification: Uncertain significance for PKD1-related condition. Last evaluated: 2025-12-10. Review status: criteria provided, single submitter. Criteria: ACMG Guidelines, 2015. Collection method: clinical testing. Allele origin: germline.
Comment: The PKD1 c.7598C>A variant is predicted to result in the amino acid substitution p.Ser2533Tyr. To our knowledge, this variant has not been reported in the literature. This variant is reported in 0.039% of alleles in individuals of East Asian descent in gnomAD. Although we suspect that this variant may be benign, at this time, the clinical significance of this variant is uncertain due to the absence of conclusive functional and genetic evidence.

Ambry Genetics
Classification: Uncertain significance for Inborn genetic diseases. Last evaluated: 2024-04-26. Review status: criteria provided, single submitter. Criteria: Ambry Variant Classification Scheme 2023. Collection method: clinical testing. Allele origin: germline.

NM_001009944.3(PKD1):c.7598C>A (p.Ser2533Tyr)

Gene: PKD1 (polycystin 1, transient receptor potential channel interacting; minus strand). Cytogenetic location: 16p13.3.
Variant type: single nucleotide variant.
Coding change: c.7598C>A on transcript NM_001009944.3 (MANE Select); coding-DNA position 7598, C replaced by A.
Protein change: p.Ser2533Tyr; replaces serine 2533 with tyrosine.
Molecular consequence: missense variant.
Genome position (GRCh38, 1-based): chr16:2,106,196, G>T on the plus strand (C>A on the coding strand, the complement: PKD1 is on the minus strand). VCF-style: chr16-2106196-G-T. GRCh37 (hg19) VCF-style: chr16-2156197-G-T.
Other names: c.7598C>A, p.Ser2533Tyr (NM_000296.4); short protein forms S2533Y.
Identifiers: ClinVar variation 3306832 (VCV003306832.3).